The following is an entry in ClinVar:

ClinVar aggregate classification (germline): Benign/Likely benign. Review status: criteria provided, multiple submitters, no conflicts (2 of 4 stars). 2 submissions from 2 submitters: Benign (1); Likely benign (1). Last evaluated 2025-12-01.

Conditions:
KBG syndrome (KBGS). Also called: ANKRD11-Related KBG Syndrome. Identifiers: Orphanet 2332, MedGen C0220687, MONDO:0007846, OMIM 148050.

Allele frequency attached by ClinVar (database versions not stated): TOPMed below 0.00001; ExAC 0.00001; gnomAD 0.00001; gnomAD exomes 0.00001.
gnomAD v4.1: 16 of 1,613,948 alleles (0.00099%); highest among the groups gnomAD compares: Admixed American, 0.013%; no homozygotes.

Submissions (2):

CeGaT Center for Human Genetics Tuebingen
Classification: Likely benign. Last evaluated: 2025-12-01. Review status: criteria provided, single submitter. Criteria: CeGaT Center For Human Genetics Tuebingen Variant Classification Criteria Version 2. Collection method: clinical testing. Allele origin: germline. Affected: yes. Observed: 1 variant allele.
Comment: ANKRD11: BP4, BP7

Labcorp Genetics (formerly Invitae), Labcorp
Classification: Benign for KBG syndrome. Last evaluated: 2024-10-10. Review status: criteria provided, single submitter. Criteria: Invitae Variant Classification Sherloc (09022015). Collection method: clinical testing. Allele origin: germline.

NM_013275.6(ANKRD11):c.450G>A (p.Thr150=)

Gene: ANKRD11 (ankyrin repeat domain 11; minus strand). Cytogenetic location: 16q24.3.
Variant type: single nucleotide variant.
Coding change: c.450G>A on transcript NM_013275.6 (MANE Select); coding-DNA position 450, G replaced by A.
Protein change: p.Thr150=; no amino-acid change (threonine 150 retained).
Molecular consequence: synonymous variant. On other transcripts: non-coding transcript variant (1).
Genome position (GRCh38, 1-based): chr16:89,290,776, C>T on the plus strand (G>A on the coding strand, the complement: ANKRD11 is on the minus strand). VCF-style: chr16-89290776-C-T. GRCh37 (hg19) VCF-style: chr16-89357184-C-T.
Other names: c.450G>A, p.Thr150= (NM_001256182.2, NM_001256183.2).
Identifiers: ClinVar variation 2887652 (VCV002887652.8), dbSNP rs769018126, ClinGen allele CA8243082.
Genomic context (GRCh38, chr16:89,290,776, plus strand): 5'-GGTCTCTCCACGCTCGTTTCTCTTGTTCACTTTATCTTTGGTTTTTGAGGCAGAGTTGGG[C>T]GTTCCCTTCTGACACACTGTAGACTGGGAGGGGTGCTTTGGTGTTGTGTCCACTGCAGGC-3'
Protein context (NP_037407.4, residues 140-160): PSQSTVCQKG[Thr150=]PNSASKTKDK